The following is an entry in ClinVar:

ClinVar aggregate classification (germline): Uncertain significance (1 of 4 stars; one submission).

Conditions:
Primary ciliary dyskinesia. Also called: Ciliary dyskinesia. Identifiers: Orphanet 244, MedGen C0008780, MONDO:0016575, HP:0012265.

Submission:

Labcorp Genetics (formerly Invitae), Labcorp
Classification: Uncertain significance for Primary ciliary dyskinesia. Last evaluated: 2021-09-06. Review status: criteria provided, single submitter. Criteria: Invitae Variant Classification Sherloc (09022015). Collection method: clinical testing. Allele origin: germline.
Comment: This sequence change replaces arginine with leucine at codon 2839 of the DNAH11 protein (p.Arg2839Leu). The arginine residue is highly conserved and there is a moderate physicochemical difference between arginine and leucine. This variant is not present in population databases (ExAC no frequency). This variant has not been reported in the literature in individuals affected with DNAH11-related conditions. Algorithms developed to predict the effect of missense changes on protein structure and function (SIFT, PolyPhen-2, Align-GVGD) all suggest that this variant is likely to be disruptive. In summary, the available evidence is currently insufficient to determine the role of this variant in disease. Therefore, it has been classified as a Variant of Uncertain Significance.

NM_001277115.2(DNAH11):c.8516G>T (p.Arg2839Leu)

Gene: DNAH11 (dynein axonemal heavy chain 11; plus strand). Cytogenetic location: 7p15.3.
Variant type: single nucleotide variant.
Coding change: c.8516G>T on transcript NM_001277115.2 (MANE Select); coding-DNA position 8516, G replaced by T.
Protein change: p.Arg2839Leu; replaces arginine 2839 with leucine.
Molecular consequence: missense variant.
Genome position (GRCh38, 1-based): chr7:21,748,585, G>T. VCF-style: chr7-21748585-G-T. GRCh37 (hg19) VCF-style: chr7-21788203-G-T.
Other names: short protein forms R2839L.
Identifiers: ClinVar variation 1446581 (VCV001446581.6), dbSNP rs1253630975, ClinGen allele CA366955045.